The following is an entry in ClinVar:

NM_007294.4(BRCA1):c.2880_2884del (p.Glu962fs)

Gene: BRCA1 (BRCA1 DNA repair associated; minus strand). Cytogenetic location: 17q21.31.
Variant type: Deletion.
Coding change: c.2880_2884del on transcript NM_007294.4 (MANE Select); coding-DNA positions 2880 to 2884, 5 bases deleted (CAACG; older notation c.2880_2884delCAACG).
Protein change: p.Glu962fs; shifts the reading frame from glutamic acid 962.
Molecular consequence: frameshift variant. On other transcripts: intron variant (137).
Genome position (GRCh38, 1-based): chr17:43,092,647-43,092,651, CGTTG deleted on the plus strand (CAACG on the coding strand, the reverse complement: BRCA1 is on the minus strand); deleting any 5 consecutive bases within chr17:43,092,647-43,092,652 gives the same sequence; the c. name uses the placement nearest the transcript's 3' end. VCF-style (leftmost placement, unchanged base first): chr17-43092646-TCGTTG-T. GRCh37 (hg19) VCF-style: chr17-41244663-TCGTTG-T.
Other names: c.2877_2881del, p.Glu961fs (NM_001407630.1, NM_001407631.1, NM_001407632.1 and 22 more transcripts); c.2880_2884del, p.Glu962fs (NM_001407639.1, NM_001407640.1, NM_001407641.1 and 30 more transcripts); c.2871_2875del, p.Glu959fs (NM_001407646.1, NM_001407647.1); c.2757_2761del, p.Glu921fs (NM_001407648.1, NM_001407664.1, NM_001407665.1 and 19 more transcripts); c.2754_2758del, p.Glu920fs (NM_001407649.1, NM_001407670.1, NM_001407671.1 and 11 more transcripts); c.2802_2806del, p.Glu936fs (NM_001407653.1, NM_001407654.1, NM_001407655.1 and 4 more transcripts); c.2799_2803del, p.Glu935fs (NM_001407659.1, NM_001407660.1, NM_001407661.1 and 1 more transcripts); c.2739_2743del, p.Glu915fs (NM_001407692.1, NM_001407694.1, NM_001407695.1 and 29 more transcripts); and 42 more; short protein forms E851fs, E873fs, E874fs, E891fs, E892fs, E894fs, E895fs, E914fs.
Identifiers: ClinVar variation 3902402 (VCV003902402.1).
Genomic context (GRCh38, chr17:43,092,646, plus strand): 5'-GGTGGTATACGATATGGGTTTTGTAAAAGTCCATGTTTATTTGGAGTAATGAGTCCAGTT[TCGTTG>T]CCTCTGAACTGAGATGATAGACAAAACCTAGAGCCTCCTTTGATACTACATTTGGCATTA-3'

ClinVar aggregate classification (germline): Pathogenic (1 of 4 stars; one submission).

Conditions:
Hereditary breast ovarian cancer syndrome. Also called: Breast and ovarian cancer; Hereditary breast and/or ovarian cancer syndrome; BRCA1- and BRCA2-Associated Hereditary Breast and Ovarian Cancer; Hereditary breast and ovarian cancer; Hereditary breast and ovarian cancer syndrome; Hereditary breast and ovarian cancer syndrome (HBOC). Identifiers: Orphanet 145, MedGen C0677776, MeSH D061325, MONDO:0003582. Disease mechanism: loss of function.

Submission:

Women's Health and Genetics/Laboratory Corporation of America, LabCorp
Classification: Pathogenic for Hereditary breast ovarian cancer syndrome. Last evaluated: 2025-05-29. Review status: criteria provided, single submitter. Criteria: LabCorp Variant Classification Summary - May 2015. Collection method: clinical testing. Allele origin: germline.
Comment: Variant summary: BRCA1 c.2880_2884delCAACG (p.Glu962TrpfsX7) results in a premature termination codon, predicted to cause a truncation of the encoded protein or absence of the protein due to nonsense mediated decay, which are commonly known mechanisms for disease. The variant was absent in 251352 control chromosomes. c.2880_2884delCAACG has been observed in individual(s) affected with breast cancer (e.g. Ahearn_2022). These data indicate that the variant is likely associated with disease. To our knowledge, no experimental evidence demonstrating an impact on protein function has been reported. The following publication has been ascertained in the context of this evaluation (PMID: 35654374). No submitters have cited clinical-significance assessments for this variant to ClinVar. Based on the evidence outlined above, the variant was classified as pathogenic.

Literature cited by the submitters: PubMed 35654374.